The following is an entry in ClinVar:

NM_001321967.2(ATAD1):c.911G>A (p.Arg304Gln)

Gene: ATAD1 (ATPase family AAA domain containing 1; minus strand). Cytogenetic location: 10q23.31.
Variant type: single nucleotide variant.
Coding change: c.911G>A on transcript NM_001321967.2 (MANE Select); coding-DNA position 911, G replaced by A.
Protein change: p.Arg304Gln; replaces arginine 304 with glutamine.
Molecular consequence: missense variant. On other transcripts: non-coding transcript variant (1).
Genome position (GRCh38, 1-based): chr10:87,756,843, C>T on the plus strand (G>A on the coding strand, the complement: ATAD1 is on the minus strand). VCF-style: chr10-87756843-C-T. GRCh37 (hg19) VCF-style: chr10-89516600-C-T.
Other names: c.821G>A, p.Arg274Gln (NM_001321968.2); c.554G>A, p.Arg185Gln (NM_001321969.2); c.911G>A, p.Arg304Gln (NM_032810.4); short protein forms R185Q, R274Q, R304Q.
Identifiers: ClinVar variation 1974162 (VCV001974162.5), dbSNP rs760236586, ClinGen allele CA5589935.

ClinVar aggregate classification (germline): Uncertain significance (1 of 4 stars; one submission).

Allele frequency attached by ClinVar (database versions not stated): TOPMed below 0.00001; ExAC 0.00002.
gnomAD v4.1: 9 of 1,612,896 alleles (0.00056%); highest among the groups gnomAD compares: East Asian, 0.0067%; no homozygotes.

Submission:

Labcorp Genetics (formerly Invitae), Labcorp
Classification: Uncertain significance. Last evaluated: 2022-06-07. Review status: criteria provided, single submitter. Criteria: Invitae Variant Classification Sherloc (09022015). Collection method: clinical testing. Allele origin: germline.
Comment: This sequence change replaces arginine, which is basic and polar, with glutamine, which is neutral and polar, at codon 304 of the ATAD1 protein (p.Arg304Gln). This variant is present in population databases (rs760236586, gnomAD 0.003%). This variant has not been reported in the literature in individuals affected with ATAD1-related conditions. Algorithms developed to predict the effect of missense changes on protein structure and function are either unavailable or do not agree on the potential impact of this missense change (SIFT: "Not Available"; PolyPhen-2: "Probably Damaging"; Align-GVGD: "Not Available"). In summary, the available evidence is currently insufficient to determine the role of this variant in disease. Therefore, it has been classified as a Variant of Uncertain Significance.